The following is an entry in ClinVar:

NM_001165963.4(SCN1A):c.985G>T (p.Gly329Cys)

Gene: SCN1A (sodium voltage-gated channel alpha subunit 1; minus strand). Cytogenetic location: 2q24.3.
Variant type: single nucleotide variant.
Coding change: c.985G>T on transcript NM_001165963.4 (MANE Select); coding-DNA position 985, G replaced by T.
Protein change: p.Gly329Cys; replaces glycine 329 with cysteine.
Molecular consequence: missense variant. On other transcripts: 5 prime UTR variant (1), non-coding transcript variant (1).
Genome position (GRCh38, 1-based): chr2:166,048,929, C>A on the plus strand (G>T on the coding strand, the complement: SCN1A is on the minus strand). VCF-style: chr2-166048929-C-A. GRCh37 (hg19) VCF-style: chr2-166905439-C-A.
Other names: p.G329C:GGT>TGT; c.985G>T, p.Gly329Cys (NM_001165964.3, NM_001202435.3, NM_001353948.2 and 10 more transcripts); c.-1441G>T (NM_001353961.2); short protein forms G329C.
Identifiers: ClinVar variation 206933 (VCV000206933.13), dbSNP rs781746113, ClinGen allele CA317771.
Genomic context (GRCh38, chr2:166,048,929, plus strand): 5'-ACAAATTATTGACTTACCCTGCATCAGAGCTATTTCCACATAGTAGTGCATCTAAAAAAC[C>A]CTCCAGGAAATAATGATATCCTGTTTGAAAAAAGAAAGTCGTATGATGAACATTTGCATT-3'
Protein context (NP_001159435.1, residues 319-339): QDSRYHYFLE[Gly329Cys]FLDALLCGNS

ClinVar aggregate classification (germline): Pathogenic/Likely pathogenic. Review status: criteria provided, multiple submitters, no conflicts (2 of 4 stars). 5 submissions from 4 submitters: Pathogenic (3); Likely pathogenic (2). Last evaluated 2025-03-25.

Conditions:
Developmental and epileptic encephalopathy 6B. Also called: Developmental and epileptic encephalopathy 6B, non-Dravet. Identifiers: MedGen C5543353, MONDO:0030268, OMIM 619317.
Early-infantile DEE. Also called: Early infantile epileptic encephalopathy; Early infantile epileptic encephalopathy with suppression bursts; Ohtahara syndrome. Identifiers: Orphanet 1934, MedGen C0393706, MONDO:0800491.
Severe myoclonic epilepsy in infancy (DRVT). Also called: Epileptic encephalopathy, early infantile, 6 (Dravet syndrome); SEVERE MYOCLONIC EPILEPSY OF INFANCY; Dravet syndrome; DEVELOPMENTAL AND EPILEPTIC ENCEPHALOPATHY 6A; Severe Myoclonic Epilepsy in Infancy (SMEI). Identifiers: Orphanet 33069, MedGen C0751122, MONDO:0100135, OMIM 607208.
Intellectual disability. Also called: Intellectual functioning disability; Intellectual developmental disorder; intellectual disabilities. Identifiers: MedGen C3714756, MeSH D008607, MONDO:0001071, HP:0001249.

Submissions (5):

GeneDx
Classification: Likely pathogenic. Last evaluated: 2025-03-25. Review status: criteria provided, single submitter. Criteria: GeneDx Variant Classification Process June 2021. Collection method: clinical testing. Allele origin: germline. Affected: yes.
Comment: Reported previously in patients with Dravet syndrome or features of a SCN1A-related disorder (PMID: 32538476, 29655203); Not observed at significant frequency in large population cohorts (gnomAD); This substitution is predicted to be within the extracellular loop between the S5 and S6 transmembrane segments of the first homologous domain; In silico analysis supports that this missense variant has a deleterious effect on protein structure/function; This variant is associated with the following publications: (PMID: 33911214, 29655203, 32538476)

Center of Human Genetics, Hôpital Erasme
Classification: Likely pathogenic for Developmental and epileptic encephalopathy 6B. Last evaluated: 2025-01-01. Review status: criteria provided, single submitter. Criteria: ACMG Guidelines, 2015. Collection method: clinical testing. Allele origin: inherited. Affected: yes.

Labcorp Genetics (formerly Invitae), Labcorp
Classification: Pathogenic for Early-infantile DEE. Last evaluated: 2021-09-21. Review status: criteria provided, single submitter. Criteria: Invitae Variant Classification Sherloc (09022015). Collection method: clinical testing. Allele origin: germline.
Comment: This sequence change replaces glycine with cysteine at codon 329 of the SCN1A protein (p.Gly329Cys). The glycine residue is highly conserved and there is a large physicochemical difference between glycine and cysteine. This variant is not present in population databases (ExAC no frequency). This missense change has been observed in individual(s) with clinical features of SCN1A-related conditions and/or Dravet syndrome (PMID: 29655203, 32538476). ClinVar contains an entry for this variant (Variation ID: 206933). Advanced modeling of protein sequence and biophysical properties (such as structural, functional, and spatial information, amino acid conservation, physicochemical variation, residue mobility, and thermodynamic stability) performed at Invitae indicates that this missense variant is expected to disrupt SCN1A protein function. This variant disrupts the p.Gly329 amino acid residue in SCN1A. Other variant(s) that disrupt this residue have been observed in individuals with SCN1A-related conditions (PMID: 28084635; Invitae), which suggests that this may be a clinically significant amino acid residue. For these reasons, this variant has been classified as Pathogenic.

Institute of Human Genetics, University of Leipzig Medical Center
Classification: Pathogenic for Intellectual disability. Last evaluated: 2020-08-03. Review status: criteria provided, single submitter. Criteria: ACMG Guidelines, 2015. Collection method: clinical testing. Allele origin: de novo. Affected: yes.

Institute of Human Genetics, University of Leipzig Medical Center
Classification: Pathogenic for Severe myoclonic epilepsy in infancy. Last evaluated: 2018-09-10. Review status: criteria provided, single submitter. Criteria: ACMG Guidelines, 2015. Collection method: clinical testing. Allele origin: germline. Affected: yes. Observed: 1 variant allele.

Literature cited by the submitters: PubMed 29655203 (cited by Labcorp Genetics (formerly Invitae), Labcorp); PubMed 32538476 (cited by Labcorp Genetics (formerly Invitae), Labcorp); PubMed 28084635 (cited by Labcorp Genetics (formerly Invitae), Labcorp).